The following is an entry in ClinVar:

ClinVar aggregate classification (germline): Uncertain significance. Review status: criteria provided, multiple submitters, no conflicts (2 of 4 stars). 2 submissions from 2 submitters: Uncertain significance (2). Last evaluated 2025-06-17.

Conditions:
Congenital factor V deficiency. Also called: LABILE FACTOR DEFICIENCY; OWREN PARAHEMOPHILIA; PARAHEMOPHILIA; Hereditary factor V deficiency disease. Identifiers: Orphanet 326, MedGen C0015499, MONDO:0009210, OMIM 227400.
F5-related disorder. Also called: F5-related condition.

Allele frequency attached by ClinVar (database versions not stated): gnomAD exomes below 0.00001; gnomAD 0.00001; TOPMed 0.00001.
gnomAD v4.1: 7 of 1,614,008 alleles (0.00043%); highest among the groups gnomAD compares: Non-Finnish European, 0.00059%; no homozygotes.

Submissions (2):

PreventionGenetics, part of Exact Sciences
Classification: Uncertain significance for F5-related condition. Last evaluated: 2025-06-17. Review status: criteria provided, single submitter. Criteria: ACMG Guidelines, 2015. Collection method: clinical testing. Allele origin: germline.
Comment: The F5 c.883A>G variant is predicted to result in the amino acid substitution p.Thr295Ala. To our knowledge, this variant has not been reported in the literature. This variant is reported in 0.0026% of alleles in individuals of European (Non-Finnish) descent in gnomAD. At this time, the clinical significance of this variant is uncertain due to the absence of conclusive functional and genetic evidence.

Labcorp Genetics (formerly Invitae), Labcorp
Classification: Uncertain significance for Congenital factor V deficiency. Last evaluated: 2023-04-07. Review status: criteria provided, single submitter. Criteria: Invitae Variant Classification Sherloc (09022015). Collection method: clinical testing. Allele origin: germline.
Comment: In summary, the available evidence is currently insufficient to determine the role of this variant in disease. Therefore, it has been classified as a Variant of Uncertain Significance. Advanced modeling of protein sequence and biophysical properties (such as structural, functional, and spatial information, amino acid conservation, physicochemical variation, residue mobility, and thermodynamic stability) performed at Invitae indicates that this missense variant is expected to disrupt F5 protein function. This variant has not been reported in the literature in individuals affected with F5-related conditions. This variant is present in population databases (rs371760153, gnomAD 0.002%). This sequence change replaces threonine, which is neutral and polar, with alanine, which is neutral and non-polar, at codon 295 of the F5 protein (p.Thr295Ala).

NM_000130.5(F5):c.883A>G (p.Thr295Ala)

Gene: F5 (coagulation factor V; minus strand). Cytogenetic location: 1q24.2.
Variant type: single nucleotide variant.
Coding change: c.883A>G on transcript NM_000130.5 (MANE Select); coding-DNA position 883, A replaced by G.
Protein change: p.Thr295Ala; replaces threonine 295 with alanine.
Molecular consequence: missense variant.
Genome position (GRCh38, 1-based): chr1:169,556,715, T>C on the plus strand (A>G on the coding strand, the complement: F5 is on the minus strand). VCF-style: chr1-169556715-T-C. GRCh37 (hg19) VCF-style: chr1-169525953-T-C.
Other names: short protein forms T295A.
Identifiers: ClinVar variation 2884751 (VCV002884751.4), dbSNP rs371760153, ClinGen allele CA32391365.
Genomic context (GRCh38, chr1:169,556,715, plus strand): 5'-GTTTTGGGGTGAGAGAAGATATGATCCACTTTCCCTCTGGGCCCACAGTCATATTTGCGG[T>C]AGTGGATGTAGCACTGACAAGGGTGATGGCTGAGACCTTATGATGGTTCTGCTCCAGGAC-3'
Protein context (NP_000121.2, residues 285-305): AITLVSATST[Thr295Ala]ANMTVGPEGK